The following is an entry in ClinVar:

ClinVar aggregate classification (germline): Uncertain significance (1 of 4 stars; one submission).

Allele frequency attached by ClinVar (database versions not stated): gnomAD exomes below 0.00001.
gnomAD v4.1: 1 of 1,614,174 alleles (0.000062%); highest among the groups gnomAD compares: Non-Finnish European, 0.000085%; no homozygotes.

Submission:

Labcorp Genetics (formerly Invitae), Labcorp
Classification: Uncertain significance. Last evaluated: 2022-09-09. Review status: criteria provided, single submitter. Criteria: Invitae Variant Classification Sherloc (09022015). Collection method: clinical testing. Allele origin: germline.
Comment: This sequence change affects codon 187 of the IL18BP mRNA. It is a 'silent' change, meaning that it does not change the encoded amino acid sequence of the IL18BP protein. This variant is not present in population databases (gnomAD no frequency). In summary, the available evidence is currently insufficient to determine the role of this variant in disease. Therefore, it has been classified as a Variant of Uncertain Significance. This variant has not been reported in the literature in individuals affected with IL18BP-related conditions.

NM_001039660.2(IL18BP):c.561C>T (p.His187=)

Gene: IL18BP (interleukin 18 binding protein; plus strand). Cytogenetic location: 11q13.4.
Variant type: single nucleotide variant.
Coding change: c.561C>T on transcript NM_001039660.2 (MANE Select); coding-DNA position 561, C replaced by T.
Protein change: p.His187=; no amino-acid change (histidine 187 retained).
Molecular consequence: synonymous variant. On other transcripts: nonsense (2), 3 prime UTR variant (1).
Genome position (GRCh38, 1-based): chr11:72,001,837, C>T. VCF-style: chr11-72001837-C-T. GRCh37 (hg19) VCF-style: chr11-71712883-C-T.
Other names: c.561C>T, p.His187= (NM_001039659.2, NM_001145057.1, NM_173042.2); c.289C>T, p.Gln97Ter (NM_001145055.1); c.*192C>T (NM_005699.3); c.433C>T, p.Gln145Ter (NM_173044.3); short protein forms Q97*, Q145*.
Identifiers: ClinVar variation 2029727 (VCV002029727.4), dbSNP rs2495877424, ClinGen allele CA381725616.